The following is an entry in ClinVar:

ClinVar aggregate classification (germline): Likely pathogenic (1 of 4 stars; one submission).

Conditions:
Dilated cardiomyopathy 1G (CMD1G). Identifiers: Orphanet 154, MedGen C1858763, MONDO:0011400, OMIM 604145.
Autosomal recessive limb-girdle muscular dystrophy type 2J (LGMDR10). Also called: Limb-girdle muscular dystrophy, type 2J; MUSCULAR DYSTROPHY, LIMB-GIRDLE, AUTOSOMAL RECESSIVE 10. Identifiers: Orphanet 140922, MedGen C1837342, MONDO:0012127, OMIM 608807.

Submission:

Labcorp Genetics (formerly Invitae), Labcorp
Classification: Likely pathogenic for Dilated cardiomyopathy 1G; Autosomal recessive limb-girdle muscular dystrophy type 2J. Last evaluated: 2024-06-22. Review status: criteria provided, single submitter. Criteria: Invitae Variant Classification Sherloc (09022015). Collection method: clinical testing. Allele origin: germline.
Comment: This sequence change creates a premature translational stop signal (p.Pro29032Leufs*8) in the TTN gene. While this is not anticipated to result in nonsense mediated decay, it is expected to create a truncated TTN protein. This variant is not present in population databases (gnomAD no frequency). This premature translational stop signal has been observed in individual(s) with dilated cardiomyopathy (PMID: 25163546, 26899768). This variant is also known as c.59900delC, p.Pro19967Leufs*8. This variant is located in the A band of TTN (PMID: 25589632). Truncating variants in this region are significantly overrepresented in patients affected with dilated cardiomyopathy (PMID: 25589632). Truncating variants in this region have also been reported in individuals affected with autosomal recessive centronuclear myopathy (PMID: 23975875). In summary, the currently available evidence indicates that the variant is pathogenic, but additional data are needed to prove that conclusively. Therefore, this variant has been classified as Likely Pathogenic.

Literature cited by the submitters: PubMed 25163546; PubMed 26899768; PubMed 25589632; PubMed 23975875.

NM_001267550.2(TTN):c.87095del (p.Pro29032fs)

Genes: TTN-AS1 (TTN antisense RNA 1; plus strand), TTN (titin; minus strand). Cytogenetic location: 2q31.2.
Variant type: Deletion.
Coding change: c.87095del on transcript NM_001267550.2 (MANE Select); coding-DNA position 87095, one base deleted (C; older notation c.87095delC).
Protein change: p.Pro29032fs; shifts the reading frame from proline 29032.
Molecular consequence: frameshift variant.
Genome position (GRCh38, 1-based): chr2:178,558,364, G deleted on the plus strand (C on the coding strand, the reverse complement: TTN is on the minus strand); the first of 2 consecutive G bases (chr2:178,558,364-178,558,365); deleting either gives the same sequence. VCF-style (leftmost placement, unchanged base first): chr2-178558363-AG-A. GRCh37 (hg19) VCF-style: chr2-179423090-AG-A.
Other names: c.82172del, p.Pro27391fs (NM_001256850.1); c.59900del, p.Pro19967fs (NM_003319.4); c.79391del, p.Pro26464fs (NM_133378.4); c.60275del, p.Pro20092fs (NM_133432.3); c.60476del, p.Pro20159fs (NM_133437.4); short protein forms P19967fs, P20092fs, P20159fs, P26464fs, P27391fs, P29032fs.
Identifiers: ClinVar variation 3759069 (VCV003759069.2).
Genomic context (GRCh38, chr2:178,558,363, plus strand): 5'-TAATTTCAAATTTTGCTTCTACACAAAATTAGACATACCTAGTTGCTCCTTAATAAGAAC[AG>A]GAAGCAGAAGCTCTCTCGGGTCACTCAGGCCAGCTTGATTTTCAGCAAACACTCGGAAAA-3'